The following is an entry in ClinVar:

NM_014140.4(SMARCAL1):c.2263A>G (p.Ile755Val)

Gene: SMARCAL1 (SNF2 related chromatin remodeling annealing helicase 1; plus strand). Cytogenetic location: 2q35.
Variant type: single nucleotide variant.
Coding change: c.2263A>G on transcript NM_014140.4 (MANE Select); coding-DNA position 2263, A replaced by G.
Protein change: p.Ile755Val; replaces isoleucine 755 with valine.
Molecular consequence: missense variant.
Genome position (GRCh38, 1-based): chr2:216,475,287, A>G. VCF-style: chr2-216475287-A-G. GRCh37 (hg19) VCF-style: chr2-217340010-A-G.
Other names: c.2263A>G, p.Ile755Val (NM_001127207.2); short protein forms I755V.
Identifiers: ClinVar variation 834577 (VCV000834577.36), dbSNP rs578123335, ClinGen allele CA2098170.
Genomic context (GRCh38, chr2:216,475,287, plus strand): 5'-CGGGGCTGTTGCCCACCTTGCTTCTGCCCCTTGTTCCTGCAGCACGTGCAGCACATCCGC[A>G]TCGATGGCTCCACCTCATCAGCTGAGCGGGAGGACCTGTGCCAGCAGTTCCAACTGTCGG-3'
Protein context (NP_054859.2, residues 745-765): LERKHVQHIR[Ile755Val]DGSTSSAERE

ClinVar aggregate classification (germline): Uncertain significance. Review status: criteria provided, multiple submitters, no conflicts (2 of 4 stars). 4 submissions from 4 submitters: Uncertain significance (3). 1 of the submissions does not count toward it. Last evaluated 2024-03-28.

Conditions:
Schimke immuno-osseous dysplasia (SIOD). Also called: Schimke Immunoosseous Dysplasia. Identifiers: Orphanet 1830, MedGen C0877024, MONDO:0009458, OMIM 242900.

Allele frequency attached by ClinVar (database versions not stated): ExAC 0.00012; 1000 Genomes Project 30x 0.00016; 1000 Genomes Project 0.00020; gnomAD exomes 0.00004 and 0.00008; gnomAD 0.00005; TOPMed 0.00011.
gnomAD v4.1: 74 of 1,614,174 alleles (0.0046%); highest among the groups gnomAD compares: Admixed American, 0.038%; no homozygotes.

Submissions (4):

Fulgent Genetics
Classification: Uncertain significance for Schimke immuno-osseous dysplasia. Last evaluated: 2024-03-28. Review status: criteria provided, single submitter. Criteria: ACMG Guidelines, 2015. Collection method: clinical testing. Allele origin: germline.

CeGaT Center for Human Genetics Tuebingen
Classification: Uncertain significance. Last evaluated: 2022-11-01. Review status: criteria provided, single submitter. Criteria: CeGaT Center For Human Genetics Tuebingen Variant Classification Criteria Version 2. Collection method: clinical testing. Allele origin: germline. Affected: yes. Observed: 1 variant allele.

Labcorp Genetics (formerly Invitae), Labcorp
Classification: Uncertain significance for Schimke immuno-osseous dysplasia. Last evaluated: 2022-09-27. Review status: criteria provided, single submitter. Criteria: Invitae Variant Classification Sherloc (09022015). Collection method: clinical testing. Allele origin: germline.
Comment: This sequence change replaces isoleucine, which is neutral and non-polar, with valine, which is neutral and non-polar, at codon 755 of the SMARCAL1 protein (p.Ile755Val). This variant is present in population databases (rs578123335, gnomAD 0.04%). This variant has not been reported in the literature in individuals affected with SMARCAL1-related conditions. ClinVar contains an entry for this variant (Variation ID: 834577). Advanced modeling of protein sequence and biophysical properties (such as structural, functional, and spatial information, amino acid conservation, physicochemical variation, residue mobility, and thermodynamic stability) performed at Invitae indicates that this missense variant is not expected to disrupt SMARCAL1 protein function. In summary, the available evidence is currently insufficient to determine the role of this variant in disease. Therefore, it has been classified as a Variant of Uncertain Significance.

Natera, Inc.
Classification: Uncertain significance for Schimke immuno-osseous dysplasia. Last evaluated: 2020-03-24. Review status: no assertion criteria provided. Collection method: clinical testing. Allele origin: germline. Not counted in ClinVar's aggregate classification.